The following is an entry in ClinVar:

ClinVar aggregate classification (germline): Uncertain significance (1 of 4 stars; one submission).

Submission:

Labcorp Genetics (formerly Invitae), Labcorp
Classification: Uncertain significance. Last evaluated: 2021-08-12. Review status: criteria provided, single submitter. Criteria: Invitae Variant Classification Sherloc (09022015). Collection method: clinical testing. Allele origin: germline.
Comment: This sequence change replaces alanine with threonine at codon 525 of the NBEA protein (p.Ala525Thr). The alanine residue is moderately conserved and there is a small physicochemical difference between alanine and threonine. This variant is not present in population databases (ExAC no frequency). In summary, the available evidence is currently insufficient to determine the role of this variant in disease. Therefore, it has been classified as a Variant of Uncertain Significance. Algorithms developed to predict the effect of missense changes on protein structure and function (SIFT, PolyPhen-2, Align-GVGD) all suggest that this variant is likely to be tolerated. This variant has not been reported in the literature in individuals affected with NBEA-related conditions.

NM_001385012.1(NBEA):c.1573G>A (p.Ala525Thr)

Gene: NBEA (neurobeachin; plus strand). Cytogenetic location: 13q13.3.
Variant type: single nucleotide variant.
Coding change: c.1573G>A on transcript NM_001385012.1 (MANE Select); coding-DNA position 1573, G replaced by A.
Protein change: p.Ala525Thr; replaces alanine 525 with threonine.
Molecular consequence: missense variant.
Genome position (GRCh38, 1-based): chr13:35,098,298, G>A. VCF-style: chr13-35098298-G-A. GRCh37 (hg19) VCF-style: chr13-35672435-G-A.
Other names: c.1573G>A, p.Ala525Thr (NM_001379245.1, NM_015678.5); short protein forms A525T.
Identifiers: ClinVar variation 1477395 (VCV001477395.8), dbSNP rs746174686, ClinGen allele CA387974497.